The following is an entry in ClinVar:

NM_024079.5(ALG8):c.231C>G (p.Ile77Met)

Gene: ALG8 (ALG8 alpha-1,3-glucosyltransferase; minus strand). Cytogenetic location: 11q14.1.
Variant type: single nucleotide variant.
Coding change: c.231C>G on transcript NM_024079.5 (MANE Select); coding-DNA position 231, C replaced by G.
Protein change: p.Ile77Met; replaces isoleucine 77 with methionine.
Molecular consequence: missense variant. On other transcripts: 5 prime UTR variant (4), non-coding transcript variant (2), intron variant (1).
Genome position (GRCh38, 1-based): chr11:78,124,158, G>C on the plus strand (C>G on the coding strand, the complement: ALG8 is on the minus strand). VCF-style: chr11-78124158-G-C. GRCh37 (hg19) VCF-style: chr11-77835204-G-C.
Other names: c.231C>G, p.Ile77Met (NM_001007027.3, NM_001425220.1, NM_001425221.1 and 14 more transcripts); c.234C>G, p.Ile78Met (NM_001425219.1); c.78C>G, p.Ile26Met (NM_001425226.1, NM_001425235.1, NM_001425236.1); c.-34C>G (NM_001425234.1, NM_001425239.1); c.-282C>G (NM_001425241.1); c.-320C>G (NM_001425242.1); c.96-66C>G (NM_001425231.1); short protein forms I78M, I77M, I26M.
Identifiers: ClinVar variation 4768092 (VCV004768092.1).

ClinVar aggregate classification (germline): Uncertain significance (1 of 4 stars; one submission).

Conditions:
ALG8 congenital disorder of glycosylation. Also called: CONGENITAL DISORDER OF GLYCOSYLATION, TYPE Ih; CDG Ih; ALG8-CDG. Identifiers: Orphanet 79325, MedGen C2931002, MONDO:0011969, OMIM 608104.

gnomAD v4.1: 2 of 1,614,108 alleles (0.00012%); highest among the groups gnomAD compares: Admixed American, 0.0033%; no homozygotes.

Submission:

Labcorp Genetics (formerly Invitae), Labcorp
Classification: Uncertain significance for ALG8 congenital disorder of glycosylation. Last evaluated: 2025-12-17. Review status: criteria provided, single submitter. Criteria: Invitae Variant Classification Sherloc (09022015). Collection method: clinical testing. Allele origin: germline.
Comment: This sequence change replaces isoleucine, which is neutral and non-polar, with methionine, which is neutral and non-polar, at codon 77 of the ALG8 protein (p.Ile77Met). This variant is present in population databases (no rsID available, gnomAD 0.003%). This variant has not been reported in the literature in individuals affected with ALG8-related conditions. Invitae Evidence Modeling of protein sequence and biophysical properties (such as structural, functional, and spatial information, amino acid conservation, physicochemical variation, residue mobility, and thermodynamic stability) indicates that this missense variant is not expected to disrupt ALG8 protein function with a negative predictive value of 80%. In summary, the available evidence is currently insufficient to determine the role of this variant in disease. Therefore, it has been classified as a Variant of Uncertain Significance.